The following is an entry in ClinVar:

NM_003294.4(TPSAB1):c.666C>A (p.Gly222=)

Gene: TPSAB1 (tryptase alpha/beta 1; plus strand). Cytogenetic location: 16p13.3.
Variant type: single nucleotide variant.
Coding change: c.666C>A on transcript NM_003294.4 (MANE Select); coding-DNA position 666, C replaced by A.
Protein change: p.Gly222=; no amino-acid change (glycine 222 retained).
Molecular consequence: synonymous variant.
Genome position (GRCh38, 1-based): chr16:1,242,078, C>A. VCF-style: chr16-1242078-C-A. GRCh37 (hg19) VCF-style: chr16-1292079-C-A.
Identifiers: ClinVar variation 2645888 (VCV002645888.24), dbSNP rs566260324, ClinGen allele CA7804023.

ClinVar aggregate classification (germline): Likely benign (1 of 4 stars; one submission).

Submission:

CeGaT Center for Human Genetics Tuebingen
Classification: Likely benign. Last evaluated: 2022-08-01. Review status: criteria provided, single submitter. Criteria: CeGaT Center For Human Genetics Tuebingen Variant Classification Criteria Version 2. Collection method: clinical testing. Allele origin: germline. Affected: yes. Observed: 1 variant allele.
Comment: TPSAB1: BP4